The following is an entry in ClinVar:

NM_005263.5(GFI1):c.248G>C (p.Ser83Thr)

Gene: GFI1 (growth factor independent 1 transcriptional repressor; minus strand). Cytogenetic location: 1p22.1.
Variant type: single nucleotide variant.
Coding change: c.248G>C on transcript NM_005263.5 (MANE Select); coding-DNA position 248, G replaced by C.
Protein change: p.Ser83Thr; replaces serine 83 with threonine.
Molecular consequence: missense variant.
Genome position (GRCh38, 1-based): chr1:92,482,914, C>G on the plus strand (G>C on the coding strand, the complement: GFI1 is on the minus strand). VCF-style: chr1-92482914-C-G. GRCh37 (hg19) VCF-style: chr1-92948471-C-G.
Other names: c.248G>C, p.Ser83Thr (NM_001127216.3, NM_001127215.3); short protein forms S83T.
Identifiers: ClinVar variation 4263238 (VCV004263238.1).

ClinVar aggregate classification (germline): Uncertain significance (1 of 4 stars; one submission).

Submission:

Ambry Genetics
Classification: Uncertain significance. Last evaluated: 2025-08-15. Review status: criteria provided, single submitter. Criteria: Ambry Variant Classification Scheme 2023. Collection method: clinical testing. Allele origin: germline.
Comment: The p.S83T variant (also known as c.248G>C), located in coding exon 2 of the GFI1 gene, results from a G to C substitution at nucleotide position 248. The serine at codon 83 is replaced by threonine, an amino acid with similar properties. This amino acid position is conserved. In addition, this alteration is predicted to be tolerated by in silico analysis. Based on the available evidence, the clinical significance of this variant remains unclear.